The following is an entry in ClinVar:

ClinVar aggregate classification (germline): Uncertain significance (1 of 4 stars; one submission).

Conditions:
Cardiomyopathy (CMYO). Also called: Cardiomyopathies. Identifiers: Orphanet 167848, MedGen C0878544, MONDO:0004994, HP:0001638. Inheritance: Various modes of inheritance.

gnomAD v4.1: 1 of 1,613,966 alleles (0.000062%); highest among the groups gnomAD compares: East Asian, 0.0022%; no homozygotes.

Submission:

Color Diagnostics, LLC DBA Color Health
Classification: Uncertain significance for Cardiomyopathy. Last evaluated: 2025-07-09. Review status: criteria provided, single submitter. Criteria: ACMG Guidelines, 2015. Collection method: clinical testing. Allele origin: germline.
Comment: This missense variant replaces leucine with phenylalanine at codon 1232 of the RYR2 protein. Computational prediction suggests that this variant may have a deleterious impact on protein structure and function. To our knowledge, functional studies have not been reported for this variant. This variant has not been reported in individuals affected with RYR2-related disorders in the literature. This variant has not been identified in the general population by the Genome Aggregation Database (gnomAD). The available evidence is insufficient to determine the role of this variant in disease conclusively. Therefore, this variant is classified as a Variant of Uncertain Significance.

NM_001035.3(RYR2):c.3696A>T (p.Leu1232Phe)

Gene: RYR2 (ryanodine receptor 2; plus strand). Cytogenetic location: 1q43.
Variant type: single nucleotide variant.
Coding change: c.3696A>T on transcript NM_001035.3 (MANE Select); coding-DNA position 3696, A replaced by T.
Protein change: p.Leu1232Phe; replaces leucine 1232 with phenylalanine.
Molecular consequence: missense variant.
Genome position (GRCh38, 1-based): chr1:237,589,890, A>T. VCF-style: chr1-237589890-A-T. GRCh37 (hg19) VCF-style: chr1-237753190-A-T.
Other names: short protein forms L1232F.
Identifiers: ClinVar variation 4757570 (VCV004757570.1).